The following is an entry in ClinVar:

NM_004006.3(DMD):c.2626G>A (p.Glu876Lys)

Gene: DMD (dystrophin; minus strand). Cytogenetic location: Xp21.1.
Variant type: single nucleotide variant.
Coding change: c.2626G>A on transcript NM_004006.3 (MANE Select); coding-DNA position 2626, G replaced by A.
Protein change: p.Glu876Lys; replaces glutamic acid 876 with lysine.
Molecular consequence: missense variant.
Genome position (GRCh38, 1-based): chrX:32,485,096, C>T on the plus strand (G>A on the coding strand, the complement: DMD is on the minus strand). VCF-style: chrX-32485096-C-T. GRCh37 (hg19) VCF-style: chrX-32503213-C-T.
Other names: c.2602G>A, p.Glu868Lys (NM_000109.4); c.2614G>A, p.Glu872Lys (NM_004009.3); c.2257G>A, p.Glu753Lys (NM_004010.3); short protein forms E872K, E753K, E876K, E868K.
Identifiers: ClinVar variation 2154458 (VCV002154458.3), dbSNP rs1040401556, ClinGen allele CA328016077.

ClinVar aggregate classification (germline): Uncertain significance. Review status: criteria provided, multiple submitters, no conflicts (2 of 4 stars). 2 submissions from 2 submitters: Uncertain significance (2). Last evaluated 2025-11-05.

Conditions:
Cardiovascular phenotype. Identifiers: MedGen CN230736.
Duchenne muscular dystrophy (DMD). Also called: MUSCULAR DYSTROPHY, PSEUDOHYPERTROPHIC PROGRESSIVE, DUCHENNE TYPE; Duchenne Muscular Dystrophy (DMD). Identifiers: Orphanet 98896, MedGen C0013264, MONDO:0010679, OMIM 310200.

Allele frequency attached by ClinVar (database versions not stated): gnomAD 0.00001; gnomAD exomes 0.00001; TOPMed 0.00001.
gnomAD v4.1: 11 of 1,204,922 alleles (0.00091%); highest among the groups gnomAD compares: Non-Finnish European, 0.0012%; no homozygotes.

Submissions (2):

Labcorp Genetics (formerly Invitae), Labcorp
Classification: Uncertain significance for Duchenne muscular dystrophy. Last evaluated: 2025-11-05. Review status: criteria provided, single submitter. Criteria: Invitae Variant Classification Sherloc (09022015). Collection method: clinical testing. Allele origin: germline.
Comment: This sequence change replaces glutamic acid, which is acidic and polar, with lysine, which is basic and polar, at codon 876 of the DMD protein (p.Glu876Lys). This variant is not present in population databases (gnomAD no frequency). This variant has not been reported in the literature in individuals affected with DMD-related conditions. ClinVar contains an entry for this variant (Variation ID: 2154458). Invitae Evidence Modeling of protein sequence and biophysical properties (such as structural, functional, and spatial information, amino acid conservation, physicochemical variation, residue mobility, and thermodynamic stability) indicates that this missense variant is not expected to disrupt DMD protein function with a negative predictive value of 95%. In summary, the available evidence is currently insufficient to determine the role of this variant in disease. Therefore, it has been classified as a Variant of Uncertain Significance.

Ambry Genetics
Classification: Uncertain significance for Cardiovascular phenotype. Last evaluated: 2024-02-23. Review status: criteria provided, single submitter. Criteria: Ambry Variant Classification Scheme 2023. Collection method: clinical testing. Allele origin: germline.
Comment: The p.E876K variant (also known as c.2626G>A), located in coding exon 21 of the DMD gene, results from a G to A substitution at nucleotide position 2626. The glutamic acid at codon 876 is replaced by lysine, an amino acid with similar properties. This amino acid position is highly conserved in available vertebrate species. In addition, this alteration is predicted to be tolerated by in silico analysis. Based on the available evidence, the clinical significance of this alteration remains unclear.